The following is an entry in ClinVar:

NM_001243925.2(MAPKAPK3):c.352A>G (p.Met118Val)

Gene: MAPKAPK3 (MAPK activated protein kinase 3; plus strand). Cytogenetic location: 3p21.2.
Variant type: single nucleotide variant.
Coding change: c.352A>G on transcript NM_001243925.2 (MANE Select); coding-DNA position 352, A replaced by G.
Protein change: p.Met118Val; replaces methionine 118 with valine.
Molecular consequence: missense variant.
Genome position (GRCh38, 1-based): chr3:50,640,498, A>G. VCF-style: chr3-50640498-A-G. GRCh37 (hg19) VCF-style: chr3-50677929-A-G.
Other names: c.352A>G, p.Met118Val (NM_001243926.2, NM_004635.5); short protein forms M118V.
Identifiers: ClinVar variation 3613771 (VCV003613771.2).

ClinVar aggregate classification (germline): Uncertain significance (1 of 4 stars; one submission).

Submission:

Labcorp Genetics (formerly Invitae), Labcorp
Classification: Uncertain significance. Last evaluated: 2024-04-25. Review status: criteria provided, single submitter. Criteria: Invitae Variant Classification Sherloc (09022015). Collection method: clinical testing. Allele origin: germline.
Comment: This sequence change replaces methionine, which is neutral and non-polar, with valine, which is neutral and non-polar, at codon 118 of the MAPKAPK3 protein (p.Met118Val). This variant is present in population databases (no rsID available, gnomAD 0.007%). This variant has not been reported in the literature in individuals affected with MAPKAPK3-related conditions. An algorithm developed to predict the effect of missense changes on protein structure and function (PolyPhen-2) suggests that this variant is likely to be disruptive. In summary, the available evidence is currently insufficient to determine the role of this variant in disease. Therefore, it has been classified as a Variant of Uncertain Significance.